The following is an entry in ClinVar:

NM_004629.2(FANCG):c.1565T>A (p.Leu522Gln)

Gene: FANCG (FA complementation group G; minus strand). Cytogenetic location: 9p13.3.
Variant type: single nucleotide variant.
Coding change: c.1565T>A on transcript NM_004629.2 (MANE Select); coding-DNA position 1565, T replaced by A.
Protein change: p.Leu522Gln; replaces leucine 522 with glutamine.
Molecular consequence: missense variant.
Genome position (GRCh38, 1-based): chr9:35,074,998, A>T on the plus strand (T>A on the coding strand, the complement: FANCG is on the minus strand). VCF-style: chr9-35074998-A-T. GRCh37 (hg19) VCF-style: chr9-35074995-A-T.
Other names: short protein forms L522Q.
Identifiers: ClinVar variation 4871019 (VCV004871019.1).

ClinVar aggregate classification (germline): Uncertain significance (1 of 4 stars; one submission).

Conditions:
Inborn genetic diseases. Identifiers: MedGen C0950123, MeSH D030342.

Submission:

Ambry Genetics
Classification: Uncertain significance for Inborn genetic diseases. Last evaluated: 2026-06-08. Review status: criteria provided, single submitter. Criteria: Ambry Variant Classification Scheme 2023. Collection method: clinical testing. Allele origin: germline.
Comment: The p.L522Q variant (also known as c.1565T>A), located in coding exon 12 of the FANCG gene, results from a T to A substitution at nucleotide position 1565. The leucine at codon 522 is replaced by glutamine, an amino acid with dissimilar properties. This amino acid position is conserved. In addition, the in silico prediction for this alteration is inconclusive. Based on the available evidence, the clinical significance of this variant remains unclear.